The following is an entry in ClinVar:

NM_004525.3(LRP2):c.9395del (p.Ser3132fs)

Gene: LRP2 (LDL receptor related protein 2; minus strand). Cytogenetic location: 2q31.1.
Variant type: Deletion.
Coding change: c.9395del on transcript NM_004525.3 (MANE Select); coding-DNA position 9395, one base deleted (G; older notation c.9395delG).
Protein change: p.Ser3132fs; shifts the reading frame from serine 3132.
Molecular consequence: frameshift variant.
Genome position (GRCh38, 1-based): chr2:169,185,953, C deleted on the plus strand (G on the coding strand, the reverse complement: LRP2 is on the minus strand). VCF-style (leftmost placement, unchanged base first): chr2-169185952-AC-A. GRCh37 (hg19) VCF-style: chr2-170042462-AC-A.
Other names: short protein forms S3132fs.
Identifiers: ClinVar variation 5015616 (VCV005015616.1).

ClinVar aggregate classification (germline): Pathogenic (1 of 4 stars; one submission).

Conditions:
Donnai-Barrow syndrome. Also called: DBS/FOAR SYNDROME; FACIOOCULOACOUSTICORENAL SYNDROME. Identifiers: Orphanet 2143, MedGen C1857277, MONDO:0009104, OMIM 222448.

Submission:

Myriad Genetics, Inc.
Classification: Pathogenic for Donnai-Barrow syndrome. Last evaluated: 2026-02-26. Review status: criteria provided, single submitter. Criteria: Myriad Autosomal Dominant, Autosomal Recessive and X-Linked Classification Criteria (2023). Collection method: clinical testing. Allele origin: unknown.
Comment: NM_004525.2(LRP2):c.9395delG(S3132Ifs*39) is expected to be pathogenic in the context of Donnai-Barrow syndrome. This variant is predicted to lead to an abnormal or absent protein product due to the creation of a premature termination codon in LRP2, a gene where loss-of-function variants are known to be pathogenic. Please note: this variant was assessed in the context of healthy population screening.